The following is an entry in ClinVar:

NM_001267550.2(TTN):c.87377C>G (p.Thr29126Ser)

Genes: TTN (titin; minus strand), TTN-AS1 (TTN antisense RNA 1; plus strand). Cytogenetic location: 2q31.2.
Variant type: single nucleotide variant.
Coding change: c.87377C>G on transcript NM_001267550.2 (MANE Select); coding-DNA position 87377, C replaced by G.
Protein change: p.Thr29126Ser; replaces threonine 29126 with serine.
Molecular consequence: missense variant.
Genome position (GRCh38, 1-based): chr2:178,557,977, G>C on the plus strand (C>G on the coding strand, the complement: TTN is on the minus strand). VCF-style: chr2-178557977-G-C. GRCh37 (hg19) VCF-style: chr2-179422704-G-C.
Other names: c.82454C>G, p.Thr27485Ser (NM_001256850.1); c.60182C>G, p.Thr20061Ser (NM_003319.4); c.60557C>G, p.Thr20186Ser (NM_133432.3); c.60758C>G, p.Thr20253Ser (NM_133437.4); c.79673C>G, p.Thr26558Ser (NM_133378.4); short protein forms T26558S, T29126S, T20061S, T20186S, T27485S, T20253S.
Identifiers: ClinVar variation 229537 (VCV000229537.5), dbSNP rs559269036, ClinGen allele CA10576466.

ClinVar aggregate classification (germline): Uncertain significance (1 of 4 stars; one submission).

Submission:

Laboratory for Molecular Medicine, Mass General Brigham Personalized Medicine
Classification: Uncertain significance. Last evaluated: 2015-10-15. Review status: criteria provided, single submitter. Criteria: LMM Criteria. Collection method: clinical testing. Allele origin: germline. Observed: 4 variant alleles.
Comment: The p.Thr26558Ser variant in TTN has not been previously reported in individuals with DCM or in the large population studies. Computational prediction tools and conservation analysis do not provide strong support for or against an impact to the protein. In summary, the clinical significance of the p.Thr26558Ser variant is uncertain.